The following is an entry in ClinVar:

NM_001197104.2(KMT2A):c.9109C>T (p.Pro3037Ser)

Gene: KMT2A (lysine methyltransferase 2A; plus strand). Cytogenetic location: 11q23.3.
Variant type: single nucleotide variant.
Coding change: c.9109C>T on transcript NM_001197104.2 (MANE Select); coding-DNA position 9109, C replaced by T.
Protein change: p.Pro3037Ser; replaces proline 3037 with serine.
Molecular consequence: missense variant.
Genome position (GRCh38, 1-based): chr11:118,505,001, C>T. VCF-style: chr11-118505001-C-T. GRCh37 (hg19) VCF-style: chr11-118375716-C-T.
Other names: c.9199C>T, p.Pro3067Ser (NM_001412597.1); c.9100C>T, p.Pro3034Ser (NM_005933.4); short protein forms P3067S, P3034S, P3037S.
Identifiers: ClinVar variation 1941359 (VCV001941359.5), dbSNP rs1950556859, ClinGen allele CA382818427.

ClinVar aggregate classification (germline): Uncertain significance (1 of 4 stars; one submission).

Allele frequency attached by ClinVar (database versions not stated): gnomAD 0.00001; TOPMed 0.00001.
gnomAD v4.1: 1 of 1,613,984 alleles (0.000062%); highest among the groups gnomAD compares: Admixed American, 0.0017%; no homozygotes.

Submission:

Labcorp Genetics (formerly Invitae), Labcorp
Classification: Uncertain significance. Last evaluated: 2022-03-19. Review status: criteria provided, single submitter. Criteria: Invitae Variant Classification Sherloc (09022015). Collection method: clinical testing. Allele origin: germline.
Comment: Algorithms developed to predict the effect of missense changes on protein structure and function are either unavailable or do not agree on the potential impact of this missense change (SIFT: "Tolerated"; PolyPhen-2: "Probably Damaging"; Align-GVGD: "Class C0"). In summary, the available evidence is currently insufficient to determine the role of this variant in disease. Therefore, it has been classified as a Variant of Uncertain Significance. This sequence change replaces proline, which is neutral and non-polar, with serine, which is neutral and polar, at codon 3037 of the KMT2A protein (p.Pro3037Ser). This variant is not present in population databases (gnomAD no frequency). This variant has not been reported in the literature in individuals affected with KMT2A-related conditions.